The following is an entry in ClinVar:

NM_014639.4(SKIC3):c.358A>C (p.Lys120Gln)

Gene: SKIC3 (SKI3 subunit of superkiller complex; minus strand). Cytogenetic location: 5q15.
Variant type: single nucleotide variant.
Coding change: c.358A>C on transcript NM_014639.4 (MANE Select); coding-DNA position 358, A replaced by C.
Protein change: p.Lys120Gln; replaces lysine 120 with glutamine.
Molecular consequence: missense variant.
Genome position (GRCh38, 1-based): chr5:95,541,349, T>G on the plus strand (A>C on the coding strand, the complement: SKIC3 is on the minus strand). VCF-style: chr5-95541349-T-G. GRCh37 (hg19) VCF-style: chr5-94877053-T-G.
Other names: short protein forms K120Q.
Identifiers: ClinVar variation 376820 (VCV000376820.4), dbSNP rs766358081, ClinGen allele CA16603178.

ClinVar aggregate classification (germline): Uncertain significance (1 of 4 stars; one submission).

Allele frequency attached by ClinVar (database versions not stated): gnomAD 0.00001.
gnomAD v4.1: 1 of 1,613,638 alleles (0.000062%); highest among the groups gnomAD compares: African/African-American, 0.0013%; no homozygotes.

Submission:

Center for Pediatric Genomic Medicine, Children's Mercy Hospital and Clinics
Classification: Uncertain significance. Last evaluated: 2017-02-06. Review status: criteria provided, single submitter. Criteria: ACMG Guidelines, 2015. Collection method: clinical testing. Allele origin: germline.
ClinVar note: Converted during submission from Uncertain Significance to Uncertain significance.